The following is an entry in ClinVar:

NM_001104631.2(PDE4D):c.1577A>G (p.Asn526Ser)

Gene: PDE4D (phosphodiesterase 4D; minus strand). Cytogenetic location: 5q11.2.
Variant type: single nucleotide variant.
Coding change: c.1577A>G on transcript NM_001104631.2 (MANE Select); coding-DNA position 1577, A replaced by G.
Protein change: p.Asn526Ser; replaces asparagine 526 with serine.
Molecular consequence: missense variant.
Genome position (GRCh38, 1-based): chr5:58,977,321, T>C on the plus strand (A>G on the coding strand, the complement: PDE4D is on the minus strand). VCF-style: chr5-58977321-T-C. GRCh37 (hg19) VCF-style: chr5-58273148-T-C.
Other names: c.1394A>G, p.Asn465Ser (NM_001165899.2, NM_001364599.1); c.1385A>G, p.Asn462Ser (NM_001197218.2); c.1211A>G, p.Asn404Ser (NM_001197219.2); c.1187A>G, p.Asn396Ser (NM_001197220.2); c.671A>G, p.Asn224Ser (NM_001197221.2, NM_001364603.1); c.905A>G, p.Asn302Ser (NM_001197222.2); c.704A>G, p.Asn235Ser (NM_001197223.2); c.1364A>G, p.Asn455Ser (NM_001349241.2); and 3 more; short protein forms N396S, N416S, N462S, N224S, N302S, N390S, N404S, N455S.
Identifiers: ClinVar variation 906614 (VCV000906614.11), dbSNP rs757175453, ClinGen allele CA3276037.

ClinVar aggregate classification (germline): Uncertain significance. Review status: criteria provided, multiple submitters, no conflicts (2 of 4 stars). 2 submissions from 2 submitters: Uncertain significance (2). Last evaluated 2026-01-03.

Conditions:
Acrodysostosis 2 with or without hormone resistance. Also called: ACRODYSOSTOSIS 2 WITH HORMONE RESISTANCE; ACRODYSOSTOSIS 2 WITHOUT HORMONE RESISTANCE. Identifiers: Orphanet 280651, MedGen C3553250, MONDO:0013822, OMIM 614613.

Allele frequency attached by ClinVar (database versions not stated): ExAC 0.00003; gnomAD exomes 0.00006 and 0.00020; gnomAD 0.00010 and 0.00011; TOPMed 0.00010.
gnomAD v4.1: 300 of 1,611,180 alleles (0.019%); highest among the groups gnomAD compares: Non-Finnish European, 0.024%; no homozygotes.

Submissions (2):

Labcorp Genetics (formerly Invitae), Labcorp
Classification: Uncertain significance. Last evaluated: 2026-01-03. Review status: criteria provided, single submitter. Criteria: Invitae Variant Classification Sherloc (09022015). Collection method: clinical testing. Allele origin: germline.
Comment: This sequence change replaces asparagine, which is neutral and polar, with serine, which is neutral and polar, at codon 526 of the PDE4D protein (p.Asn526Ser). This variant is present in population databases (rs757175453, gnomAD 0.01%), and has an allele count higher than expected for a pathogenic variant. This variant has not been reported in the literature in individuals affected with PDE4D-related conditions. ClinVar contains an entry for this variant (Variation ID: 906614). Invitae Evidence Modeling of protein sequence and biophysical properties (such as structural, functional, and spatial information, amino acid conservation, physicochemical variation, residue mobility, and thermodynamic stability) indicates that this missense variant is expected to disrupt PDE4D protein function with a positive predictive value of 80%. In summary, the available evidence is currently insufficient to determine the role of this variant in disease. Therefore, it has been classified as a Variant of Uncertain Significance.

Illumina Laboratory Services, Illumina
Classification: Uncertain significance for Acrodysostosis 2 with or without hormone resistance. Last evaluated: 2018-01-13. Review status: criteria provided, single submitter. Criteria: ICSL Variant Classification Criteria 13 December 2019. Collection method: clinical testing. Allele origin: germline.